The following is an entry in ClinVar:

ClinVar aggregate classification (germline): Uncertain significance (1 of 4 stars; one submission).

Allele frequency attached by ClinVar (database versions not stated): gnomAD exomes below 0.00001.
gnomAD v4.1: 1 of 1,612,778 alleles (0.000062%); highest among the groups gnomAD compares: Admixed American, 0.0017%; no homozygotes.

Submission:

Labcorp Genetics (formerly Invitae), Labcorp
Classification: Uncertain significance. Last evaluated: 2022-05-18. Review status: criteria provided, single submitter. Criteria: Invitae Variant Classification Sherloc (09022015). Collection method: clinical testing. Allele origin: germline.
Comment: Algorithms developed to predict the effect of missense changes on protein structure and function are either unavailable or do not agree on the potential impact of this missense change (SIFT: "Not Available"; PolyPhen-2: "Possibly Damaging"; Align-GVGD: "Not Available"). This sequence change replaces alanine, which is neutral and non-polar, with valine, which is neutral and non-polar, at codon 105 of the IREB2 protein (p.Ala105Val). This variant is not present in population databases (gnomAD no frequency). This variant has not been reported in the literature in individuals affected with IREB2-related conditions. In summary, the available evidence is currently insufficient to determine the role of this variant in disease. Therefore, it has been classified as a Variant of Uncertain Significance.

NM_004136.4(IREB2):c.314C>T (p.Ala105Val)

Gene: IREB2 (iron responsive element binding protein 2; plus strand). Cytogenetic location: 15q25.1.
Variant type: single nucleotide variant.
Coding change: c.314C>T on transcript NM_004136.4 (MANE Select); coding-DNA position 314, C replaced by T.
Protein change: p.Ala105Val; replaces alanine 105 with valine.
Molecular consequence: missense variant. On other transcripts: 5 prime UTR variant (1).
Genome position (GRCh38, 1-based): chr15:78,465,292, C>T. VCF-style: chr15-78465292-C-T. GRCh37 (hg19) VCF-style: chr15-78757634-C-T.
Other names: c.-367C>T (NM_001320941.2); c.143C>T, p.Ala48Val (NM_001320942.2, NM_001354994.2); c.314C>T, p.Ala105Val (NM_001320943.2); short protein forms A105V, A48V.
Identifiers: ClinVar variation 2119317 (VCV002119317.4), dbSNP rs2542577082, ClinGen allele CA393566014.